The following is an entry in ClinVar:

ClinVar aggregate classification (germline): Likely pathogenic. Review status: criteria provided, multiple submitters, no conflicts (2 of 4 stars). 3 submissions from 3 submitters: Likely pathogenic (3). Last evaluated 2025-01-16.

Conditions:
Autosomal recessive titinopathy. Identifiers: MedGen CN315649, MONDO:0100493.
Dilated cardiomyopathy 1G (CMD1G). Identifiers: Orphanet 154, MedGen C1858763, MONDO:0011400, OMIM 604145.
Autosomal recessive limb-girdle muscular dystrophy type 2J (LGMDR10). Also called: Limb-girdle muscular dystrophy, type 2J; MUSCULAR DYSTROPHY, LIMB-GIRDLE, AUTOSOMAL RECESSIVE 10. Identifiers: Orphanet 140922, MedGen C1837342, MONDO:0012127, OMIM 608807.

Allele frequency attached by ClinVar (database versions not stated): gnomAD exomes below 0.00001.

Submissions (3):

Women's Health and Genetics/Laboratory Corporation of America, LabCorp
Classification: Likely pathogenic for Autosomal recessive titinopathy. Last evaluated: 2025-01-16. Review status: criteria provided, single submitter. Criteria: LabCorp Variant Classification Summary - May 2015. Collection method: clinical testing. Allele origin: germline.
Comment: Variant summary: TTN c.12043+1G>A (also known as NM_001267550:c.15775+1G>A) is located in a canonical splice-site and is predicted to affect mRNA splicing resulting in a significantly altered protein due to either exon skipping, shortening, or inclusion of intronic material. Variants that disrupt the consensus splice site are a relatively common cause of aberrant splicing and loss of TTN function. Loss of function variants in all TTN bands are strongly associated with a spectrum of autosomal recessive titinopathies when exon expression (proportion spliced in, PSI, 1=complete expression) in skeletal muscle is >0.1 (PMID: 36977548, 39198997, 29598826, 32778822, 29691892, 33449170, 36977548, internal data). In contrast, loss of function variants in all TTN bands are only strongly associated with autosomal dominant TTN-related cardiomyopathies if located in exons constitutively expressed (PSI >0.9) in cardiac muscle, excluding extreme C-terminal exons 359-363 (PMID: 25589632, 31216868, 32964742, 34662387, 27869827, Shetty et al., Nat Cardiovasc Res 2024,, internal data). This variant has a maximum skeletal muscle PSI of 0.982 and a maximum cardiac muscle PSI of 0.167. Several computational tools predict a significant impact on normal splicing: Three predict the variant abolishes a 5' splicing donor site. However, these predictions have yet to be confirmed by functional studies. The variant allele was found at a frequency of 4.1e-06 in 246878 control chromosomes (gnomAD). The variant, c.12043+1G>A, has been reported in the compound heterozygous state in the literature in at least one individual affected with autosomal recessive congenital titinopathy, who carried a frameshift variant (expected likely pathogenic for recessive TTN-related conditions) in trans (Oates_2018, Savarese_2020). To our knowledge, no experimental evidence demonstrating an impact on protein function has been reported. The following publications have been ascertained in the context of this evaluation (PMID: 29691892, 32778822). ClinVar contains an entry for this variant (Variation ID: 431887). Based on the evidence outlined above, the variant was classified as likely pathogenic for autosomal recessive TTN-related conditions.

Labcorp Genetics (formerly Invitae), Labcorp
Classification: Likely pathogenic for Dilated cardiomyopathy 1G; Autosomal recessive limb-girdle muscular dystrophy type 2J. Last evaluated: 2024-10-18. Review status: criteria provided, single submitter. Criteria: Invitae Variant Classification Sherloc (09022015). Collection method: clinical testing. Allele origin: germline.
Comment: This sequence change affects a donor splice site in intron 53 of the TTN gene. It is expected to disrupt RNA splicing and likely results in a truncated or disrupted TTN protein. This variant is present in population databases (no rsID available, gnomAD 0.0009%). Disruption of this splice site has been observed in individual(s) with autosomal recessive titinopathy (PMID: 32778822). ClinVar contains an entry for this variant (Variation ID: 431887). Algorithms developed to predict the effect of sequence changes on RNA splicing suggest that this variant may disrupt the consensus splice site. This variant is located in the I band of TTN (PMID: 25589632). Truncating variants in this region have been reported in individuals affected with autosomal recessive centronuclear myopathy (PMID: 23975875, internal data). Truncating variants in this region have also been identified in individuals affected with autosomal dominant dilated cardiomyopathy and/or cardio-related conditions (PMID: 27869827, 32964742, internal data). In summary, the currently available evidence indicates that the variant is pathogenic, but additional data are needed to prove that conclusively. Therefore, this variant has been classified as Likely Pathogenic.

GeneDx
Classification: Likely pathogenic. Last evaluated: 2015-08-28. Review status: criteria provided, single submitter. Criteria: GeneDx Variant Classification (06012015). Collection method: clinical testing. Allele origin: germline. Affected: yes.
Comment: The c.14824+1 G>A splice variant in the TTN gene destroys the canonical splice donor site in intron 51. It is predicted to cause abnormal gene splicing either leading to an abnormal message that is subject to nonsense-mediated mRNA decay, or to an abnormal protein product if the message is used for protein translation. The c.14824+1 G>A variant is not located in the M-line where the majority of truncating mutations associated with muscular dystrophy have been reported, however, truncating variant associated with centronuclear myopathy have been identified throughout the gene. Of note, truncating variants have been reported in approximately 3% of control alleles (Herman et al., 2012). Therefore, this variant is a strong candidate for a pathogenic variant, however the possibility that it is a benign variant cannot be excluded.

Literature cited by the submitters: PubMed 32778822 (cited by Women's Health and Genetics/Laboratory Corporation of America, LabCorp and Labcorp Genetics (formerly Invitae), Labcorp); PubMed 29691892 (cited by Women's Health and Genetics/Laboratory Corporation of America, LabCorp); PubMed 25589632 (cited by Labcorp Genetics (formerly Invitae), Labcorp); PubMed 23975875 (cited by Labcorp Genetics (formerly Invitae), Labcorp); PubMed 27869827 (cited by Labcorp Genetics (formerly Invitae), Labcorp); PubMed 32964742 (cited by Labcorp Genetics (formerly Invitae), Labcorp).

NM_001267550.2(TTN):c.15775+1G>A

Gene: TTN (titin; minus strand). Cytogenetic location: 2q31.2.
Variant type: single nucleotide variant.
Coding change: c.15775+1G>A on transcript NM_001267550.2 (MANE Select); the canonical splice donor site of the intron after coding-DNA position 15775, G replaced by A.
Molecular consequence: splice donor variant. On other transcripts: intron variant (3).
Genome position (GRCh38, 1-based): chr2:178,733,613, C>T on the plus strand (G>A on the coding strand, the complement: TTN is on the minus strand). VCF-style: chr2-178733613-C-T. GRCh37 (hg19) VCF-style: chr2-179598340-C-T.
Other names: c.13282+4469G>A (NM_003319.4); c.13858+4469G>A (NM_133437.4); c.13657+4469G>A (NM_133432.3); c.12043+1G>A (NM_133378.4); c.14824+1G>A (NM_001256850.1).
Identifiers: ClinVar variation 431887 (VCV000431887.9), dbSNP rs1353528319, ClinGen allele CA349590585.